The following is an entry in ClinVar:

ClinVar aggregate classification (germline): Conflicting classifications of pathogenicity. Review status: criteria provided, conflicting classifications (1 of 4 stars). 2 submissions from 2 submitters: Uncertain significance (1); Likely benign (1). Last evaluated 2025-12-24.

Conditions:
Hereditary cancer-predisposing syndrome. Also called: Tumor predisposition; Neoplastic Syndromes, Hereditary; Hereditary Cancer Syndrome; Hereditary neoplastic syndrome. Identifiers: Orphanet 140162, MedGen C0027672, MeSH D009386, MONDO:0015356.
Pheochromocytoma/paraganglioma syndrome 5. Also called: Paragangliomas 5; SDHA-Related Hereditary Paraganglioma-Pheochromocytoma Syndrome. Identifiers: Orphanet 29072, MedGen C3279992, MONDO:0013602, OMIM 614165.
Mitochondrial complex II deficiency, nuclear type 1. Also called: SUCCINATE CoQ REDUCTASE DEFICIENCY. Identifiers: Orphanet 3208, MedGen C5700310, MONDO:0100294, OMIM 252011.

gnomAD v4.1: 1 of 1,613,872 alleles (0.000062%); no homozygotes.

Submissions (2):

Labcorp Genetics (formerly Invitae), Labcorp
Classification: Uncertain significance for Pheochromocytoma/paraganglioma syndrome 5; Mitochondrial complex II deficiency, nuclear type 1. Last evaluated: 2025-12-24. Review status: criteria provided, single submitter. Criteria: Invitae Variant Classification Sherloc (09022015). Collection method: clinical testing. Allele origin: germline.
Comment: This sequence change replaces isoleucine, which is neutral and non-polar, with valine, which is neutral and non-polar, at codon 431 of the SDHA protein (p.Ile431Val). This variant is not present in population databases (gnomAD no frequency). This variant has not been reported in the literature in individuals affected with SDHA-related conditions. ClinVar contains an entry for this variant (Variation ID: 642550). Invitae Evidence Modeling of protein sequence and biophysical properties (such as structural, functional, and spatial information, amino acid conservation, physicochemical variation, residue mobility, and thermodynamic stability) indicates that this missense variant is not expected to disrupt SDHA protein function with a negative predictive value of 95%. In summary, the available evidence is currently insufficient to determine the role of this variant in disease. Therefore, it has been classified as a Variant of Uncertain Significance.

Ambry Genetics
Classification: Likely benign for Hereditary cancer-predisposing syndrome. Last evaluated: 2023-05-09. Review status: criteria provided, single submitter. Criteria: Ambry Variant Classification Scheme 2023. Collection method: clinical testing. Allele origin: germline.

NM_004168.4(SDHA):c.1291A>G (p.Ile431Val)

Gene: SDHA (succinate dehydrogenase complex flavoprotein subunit A; plus strand). Cytogenetic location: 5p15.33.
Variant type: single nucleotide variant.
Coding change: c.1291A>G on transcript NM_004168.4 (MANE Select); coding-DNA position 1291, A replaced by G.
Protein change: p.Ile431Val; replaces isoleucine 431 with valine.
Molecular consequence: missense variant.
Genome position (GRCh38, 1-based): chr5:236,458, A>G. VCF-style: chr5-236458-A-G. GRCh37 (hg19) VCF-style: chr5-236573-A-G.
Other names: c.1147A>G, p.Ile383Val (NM_001294332.2); c.1291A>G, p.Ile431Val (NM_001330758.2); c.1291A>G (NM_004168.2); short protein forms I383V, I431V.
Identifiers: ClinVar variation 642550 (VCV000642550.9), dbSNP rs1579409384, ClinGen allele CA359013863.